The following is an entry in ClinVar:

ClinVar aggregate classification (germline): Uncertain significance (1 of 4 stars; one submission).

Conditions:
Neutrophil immunodeficiency syndrome. Also called: Immunodeficiency 73A with defective neutrophil chemotaxis and leukocytosis. Identifiers: Orphanet 183707, MedGen C1842398, MONDO:0011988, OMIM 608203.

Submission:

Labcorp Genetics (formerly Invitae), Labcorp
Classification: Uncertain significance for Neutrophil immunodeficiency syndrome. Last evaluated: 2022-03-01. Review status: criteria provided, single submitter. Criteria: Invitae Variant Classification Sherloc (09022015). Collection method: clinical testing. Allele origin: germline.
Comment: In summary, the available evidence is currently insufficient to determine the role of this variant in disease. Therefore, it has been classified as a Variant of Uncertain Significance. Advanced modeling of protein sequence and biophysical properties (such as structural, functional, and spatial information, amino acid conservation, physicochemical variation, residue mobility, and thermodynamic stability) performed at Invitae indicates that this missense variant is expected to disrupt RAC2 protein function. This variant has not been reported in the literature in individuals affected with RAC2-related conditions. This variant is not present in population databases (gnomAD no frequency). This sequence change replaces glutamic acid, which is acidic and polar, with lysine, which is basic and polar, at codon 100 of the RAC2 protein (p.Glu100Lys).

NM_002872.5(RAC2):c.298G>A (p.Glu100Lys)

Gene: RAC2 (Rac family small GTPase 2; minus strand). Cytogenetic location: 22q13.1.
Variant type: single nucleotide variant.
Coding change: c.298G>A on transcript NM_002872.5 (MANE Select); coding-DNA position 298, G replaced by A.
Protein change: p.Glu100Lys; replaces glutamic acid 100 with lysine.
Molecular consequence: missense variant.
Genome position (GRCh38, 1-based): chr22:37,231,381, C>T on the plus strand (G>A on the coding strand, the complement: RAC2 is on the minus strand). VCF-style: chr22-37231381-C-T. GRCh37 (hg19) VCF-style: chr22-37627421-C-T.
Other names: short protein forms E100K.
Identifiers: ClinVar variation 2105373 (VCV002105373.4), dbSNP rs2517932317, ClinGen allele CA411443119.
Genomic context (GRCh38, chr22:37,231,381, plus strand): 5'-GCAGGTCCAGCTTGGTGCCCACCAGGATGATGGGTGTGCTGGGGCAGTGGTGCCGCACTT[C>T]TGGGAACCACTGGGCAGGTGGGTGGGGGGACACAAGGTTGTATGGGTCAAGAGGGGGCGC-3'
Protein context (NP_002863.1, residues 90-110): YENVRAKWFP[Glu100Lys]VRHHCPSTPI